The following is an entry in ClinVar:

ClinVar aggregate classification (germline): Pathogenic (1 of 4 stars; one submission).

gnomAD v4.1: 2 of 1,604,018 alleles (0.00012%); highest among the groups gnomAD compares: East Asian, 0.0045%; no homozygotes.

Submission:

Labcorp Genetics (formerly Invitae), Labcorp
Classification: Pathogenic. Last evaluated: 2024-12-08. Review status: criteria provided, single submitter. Criteria: Invitae Variant Classification Sherloc (09022015). Collection method: clinical testing. Allele origin: germline.
Comment: This sequence change affects a donor splice site in intron 5 of the PDE6C gene. It is expected to disrupt RNA splicing. Variants that disrupt the donor or acceptor splice site typically lead to a loss of protein function (PMID: 16199547), and loss-of-function variants in PDE6C are known to be pathogenic (PMID: 19887631, 23776498, 26103963, 30080950). This variant is present in population databases (no rsID available, gnomAD 0.006%). Disruption of this splice site has been observed in individuals with PDE6C-related conditions (PMID: 32913385; internal data). Algorithms developed to predict the effect of sequence changes on RNA splicing suggest that this variant may disrupt the consensus splice site. For these reasons, this variant has been classified as Pathogenic.

Literature cited by the submitters: PubMed 16199547; PubMed 19887631; PubMed 23776498; PubMed 26103963; PubMed 30080950; PubMed 32913385.

NM_006204.4(PDE6C):c.939+2T>C

Gene: PDE6C (phosphodiesterase 6C; plus strand). Cytogenetic location: 10q23.33.
Variant type: single nucleotide variant.
Coding change: c.939+2T>C on transcript NM_006204.4 (MANE Select); the canonical splice donor site of the intron after coding-DNA position 939, T replaced by C.
Molecular consequence: splice donor variant.
Genome position (GRCh38, 1-based): chr10:93,625,651, T>C. VCF-style: chr10-93625651-T-C. GRCh37 (hg19) VCF-style: chr10-95385408-T-C.
Identifiers: ClinVar variation 3677089 (VCV003677089.2).
Genomic context (GRCh38, chr10:93,625,651, plus strand): 5'-GGCCAATCAAGCTTGGAGAAGTAGAGCCTTATAAAGGTCCAAAGACACCTGATGGCAGGG[T>C]ACGTGCAAATGTCTTCCTTGATGCCATCTGTGCATGGTGTCAGGTGCTAAAATTAAGAGG-3'